The following is an entry in ClinVar:

ClinVar aggregate classification (germline): Uncertain significance. Review status: criteria provided, multiple submitters, no conflicts (2 of 4 stars). 2 submissions from 2 submitters: Uncertain significance (2). Last evaluated 2026-08-13.

Conditions:
DIAPH3-related disorder. Also called: DIAPH3-related condition.

gnomAD v4.1: 31 of 1,609,624 alleles (0.0019%); highest among the groups gnomAD compares: Non-Finnish European, 0.0025%; no homozygotes.

Submissions (2):

PreventionGenetics, part of Exact Sciences
Classification: Uncertain significance for DIAPH3-related condition. Last evaluated: 2026-08-13. Review status: criteria provided, single submitter. Criteria: ACMG Guidelines, 2015. Collection method: clinical testing. Allele origin: germline.
Comment: The DIAPH3 c.1514T>C variant is predicted to result in the amino acid substitution p.Phe505Ser. To our knowledge, this variant has not been reported in the literature. This variant is reported in 0.00089% of alleles in individuals of European (Non-Finnish) descent in gnomAD. At this time, the clinical significance of this variant is uncertain due to the absence of conclusive functional and genetic evidence.

Labcorp Genetics (formerly Invitae), Labcorp
Classification: Uncertain significance. Last evaluated: 2025-02-26. Review status: criteria provided, single submitter. Criteria: Invitae Variant Classification Sherloc (09022015). Collection method: clinical testing. Allele origin: germline.
Comment: This sequence change replaces phenylalanine, which is neutral and non-polar, with serine, which is neutral and polar, at codon 505 of the DIAPH3 protein (p.Phe505Ser). This variant is present in population databases (no rsID available, gnomAD 0.0009%). This variant has not been reported in the literature in individuals affected with DIAPH3-related conditions. An algorithm developed to predict the effect of missense changes on protein structure and function outputs the following: PolyPhen-2: "Benign". The serine amino acid residue is found in multiple mammalian species, which suggests that this missense change does not adversely affect protein function. In summary, the available evidence is currently insufficient to determine the role of this variant in disease. Therefore, it has been classified as a Variant of Uncertain Significance.

NM_001042517.2(DIAPH3):c.1514T>C (p.Phe505Ser)

Gene: DIAPH3 (diaphanous related formin 3; minus strand). Cytogenetic location: 13q21.2.
Variant type: single nucleotide variant.
Coding change: c.1514T>C on transcript NM_001042517.2 (MANE Select); coding-DNA position 1514, T replaced by C.
Protein change: p.Phe505Ser; replaces phenylalanine 505 with serine.
Molecular consequence: missense variant.
Genome position (GRCh38, 1-based): chr13:59,980,826, A>G on the plus strand (T>C on the coding strand, the complement: DIAPH3 is on the minus strand). VCF-style: chr13-59980826-A-G. GRCh37 (hg19) VCF-style: chr13-60554960-A-G.
Other names: c.1514T>C (NM_001042517.1); c.1481T>C, p.Phe494Ser (NM_001258366.2); c.1376T>C, p.Phe459Ser (NM_001258367.2); c.1304T>C, p.Phe435Ser (NM_001258368.2); c.1514T>C, p.Phe505Ser (NM_001258369.2); c.725T>C, p.Phe242Ser (NM_001258370.2, NM_030932.4); short protein forms F242S, F435S, F494S, F459S, F505S.
Identifiers: ClinVar variation 4753184 (VCV004753184.2).